The following is an entry in ClinVar:

NM_003500.4(ACOX2):c.1111T>C (p.Ser371Pro)

Gene: ACOX2 (acyl-CoA oxidase 2; minus strand). Cytogenetic location: 3p14.3.
Variant type: single nucleotide variant.
Coding change: c.1111T>C on transcript NM_003500.4 (MANE Select); coding-DNA position 1111, T replaced by C.
Protein change: p.Ser371Pro; replaces serine 371 with proline.
Molecular consequence: missense variant.
Genome position (GRCh38, 1-based): chr3:58,528,838, A>G on the plus strand (T>C on the coding strand, the complement: ACOX2 is on the minus strand). VCF-style: chr3-58528838-A-G. GRCh37 (hg19) VCF-style: chr3-58514565-A-G.
Other names: short protein forms S371P.
Identifiers: ClinVar variation 3481784 (VCV003481784.2).
Genomic context (GRCh38, chr3:58,528,838, plus strand): 5'-CGCAGACAGCAGGTACCTCAGGCAGGAAGCTGAAGTCTTGGTTCAGAATGGCAGTGTAGG[A>G]GTGCTGGAAGAACTCCAAGAGGCTGACTGCCAGGAAATGGAAGGCATAACTGATGGCCAG-3'
Protein context (NP_003491.1, residues 361-381): AVSLLEFFQH[Ser371Pro]YTAILNQDFS

ClinVar aggregate classification (germline): Uncertain significance. Review status: criteria provided, multiple submitters, no conflicts (2 of 4 stars). 2 submissions from 2 submitters: Uncertain significance (2). Last evaluated 2025-12-21.

gnomAD v4.1: 2 of 1,613,562 alleles (0.00012%); no homozygotes.

Submissions (2):

Labcorp Genetics (formerly Invitae), Labcorp
Classification: Uncertain significance. Last evaluated: 2025-12-21. Review status: criteria provided, single submitter. Criteria: Invitae Variant Classification Sherloc (09022015). Collection method: clinical testing. Allele origin: germline.
Comment: This sequence change replaces serine, which is neutral and polar, with proline, which is neutral and non-polar, at codon 371 of the ACOX2 protein (p.Ser371Pro). This variant is not present in population databases (gnomAD no frequency). This variant has not been reported in the literature in individuals affected with ACOX2-related conditions. ClinVar contains an entry for this variant (Variation ID: 3481784). Invitae Evidence Modeling of protein sequence and biophysical properties (such as structural, functional, and spatial information, amino acid conservation, physicochemical variation, residue mobility, and thermodynamic stability) has been performed for this missense variant. However, the output from this modeling did not meet the statistical confidence thresholds required to predict the impact of this variant on ACOX2 protein function. In summary, the available evidence is currently insufficient to determine the role of this variant in disease. Therefore, it has been classified as a Variant of Uncertain Significance.

Ambry Genetics
Classification: Uncertain significance. Last evaluated: 2024-11-09. Review status: criteria provided, single submitter. Criteria: Ambry Variant Classification Scheme 2023. Collection method: clinical testing. Allele origin: germline.